The following is an entry in ClinVar:

ClinVar aggregate classification (germline): Benign (1 of 4 stars; one submission).

Allele frequency attached by ClinVar (database versions not stated): gnomAD 0.07742 and 0.07842; TOPMed 0.07759; 1000 Genomes Project 30x 0.08450; 1000 Genomes Project 0.08848.
gnomAD v4.1: 8,737 of 111,363 alleles (7.8%); highest among the groups gnomAD compares: East Asian, 20%; 350 homozygotes.

Submission:

GeneDx
Classification: Benign. Last evaluated: 2018-06-14. Review status: criteria provided, single submitter. Criteria: GeneDx Variant Classification (06012015). Collection method: clinical testing. Allele origin: germline. Affected: yes.
Comment: This variant is considered likely benign or benign based on one or more of the following criteria: it is a conservative change, it occurs at a poorly conserved position in the protein, it is predicted to be benign by multiple in silico algorithms, and/or has population frequency not consistent with disease.

NM_001015877.2(PHF6):c.419-242A>C

Gene: PHF6 (PHD finger protein 6; plus strand). Cytogenetic location: Xq26.2.
Variant type: single nucleotide variant.
Coding change: c.419-242A>C on transcript NM_001015877.2 (MANE Select); 242 bases into the intron before coding-DNA position 419, A replaced by C.
Molecular consequence: intron variant.
Genome position (GRCh38, 1-based): chrX:134,413,249, A>C. VCF-style: chrX-134413249-A-C. GRCh37 (hg19) VCF-style: chrX-133547279-A-C.
Other names: c.419-242A>C (NM_032458.3); c.419-239A>C (NM_032335.3).
Identifiers: ClinVar variation 672755 (VCV000672755.1), dbSNP rs6634981, ClinGen allele CA336029308.